The following is an entry in ClinVar:

ClinVar aggregate classification (germline): Uncertain significance (1 of 4 stars; one submission).

Conditions:
Autosomal recessive early-onset Parkinson disease 6 (PARK6). Also called: PARKINSON DISEASE 6, EARLY-ONSET; PARKINSON DISEASE 6, MODIFIER OF; PINK1-Related Parkinson Disease; PINK1 Type of Young-Onset Parkinson Disease. Identifiers: Orphanet 2828, MedGen C1853833, MONDO:0011613, OMIM 605909.

Allele frequency attached by ClinVar (database versions not stated): ExAC 0.00002; gnomAD exomes 0.00003; gnomAD 0.00007 and 0.00008; TOPMed 0.00013; ESP Exome Variant Server 0.00015.
gnomAD v4.1: 50 of 1,611,808 alleles (0.0031%); highest among the groups gnomAD compares: Admixed American, 0.027%; no homozygotes.

Submission:

Labcorp Genetics (formerly Invitae), Labcorp
Classification: Uncertain significance for Autosomal recessive early-onset Parkinson disease 6. Last evaluated: 2021-12-03. Review status: criteria provided, single submitter. Criteria: Invitae Variant Classification Sherloc (09022015). Collection method: clinical testing. Allele origin: germline.
Comment: This sequence change replaces cysteine, which is neutral and slightly polar, with tyrosine, which is neutral and polar, at codon 323 of the PINK1 protein (p.Cys323Tyr). This variant is present in population databases (rs373417787, gnomAD 0.01%). This variant has not been reported in the literature in individuals affected with PINK1-related conditions. Algorithms developed to predict the effect of missense changes on protein structure and function (SIFT, PolyPhen-2, Align-GVGD) all suggest that this variant is likely to be tolerated. In summary, the available evidence is currently insufficient to determine the role of this variant in disease. Therefore, it has been classified as a Variant of Uncertain Significance.

NM_032409.3(PINK1):c.968G>A (p.Cys323Tyr)

Genes: PINK1 (PTEN induced kinase 1; plus strand), PINK1-AS (PINK1 antisense RNA; minus strand). Cytogenetic location: 1p36.12.
Variant type: single nucleotide variant.
Coding change: c.968G>A on transcript NM_032409.3 (MANE Select); coding-DNA position 968, G replaced by A.
Protein change: p.Cys323Tyr; replaces cysteine 323 with tyrosine.
Molecular consequence: missense variant.
Genome position (GRCh38, 1-based): chr1:20,645,568, G>A. VCF-style: chr1-20645568-G-A. GRCh37 (hg19) VCF-style: chr1-20972061-G-A.
Other names: short protein forms C323Y.
Identifiers: ClinVar variation 1403093 (VCV001403093.3), dbSNP rs373417787, ClinGen allele CA660655.